The following is an entry in ClinVar:

ClinVar aggregate classification (germline): Uncertain significance (1 of 4 stars; one submission).

gnomAD v4.1: 3 of 1,611,386 alleles (0.00019%); highest among the groups gnomAD compares: Non-Finnish European, 0.00017%; no homozygotes.

Submission:

Labcorp Genetics (formerly Invitae), Labcorp
Classification: Uncertain significance. Last evaluated: 2023-06-29. Review status: criteria provided, single submitter. Criteria: Invitae Variant Classification Sherloc (09022015). Collection method: clinical testing. Allele origin: germline.
Comment: In summary, the available evidence is currently insufficient to determine the role of this variant in disease. Therefore, it has been classified as a Variant of Uncertain Significance. An algorithm developed to predict the effect of missense changes on protein structure and function (PolyPhen-2) suggests that this variant is likely to be tolerated. ClinVar contains an entry for this variant (Variation ID: 1914243). This variant has not been reported in the literature in individuals affected with RPIA-related conditions. This variant is present in population databases (no rsID available, gnomAD 0.003%). This sequence change replaces proline, which is neutral and non-polar, with serine, which is neutral and polar, at codon 309 of the RPIA protein (p.Pro309Ser).

NM_144563.3(RPIA):c.925C>T (p.Pro309Ser)

Gene: RPIA (ribose 5-phosphate isomerase A; plus strand). Cytogenetic location: 2p11.2.
Variant type: single nucleotide variant.
Coding change: c.925C>T on transcript NM_144563.3 (MANE Select); coding-DNA position 925, C replaced by T.
Protein change: p.Pro309Ser; replaces proline 309 with serine.
Molecular consequence: missense variant.
Genome position (GRCh38, 1-based): chr2:88,750,067, C>T. VCF-style: chr2-88750067-C-T. GRCh37 (hg19) VCF-style: chr2-89049584-C-T.
Other names: short protein forms P309S.
Identifiers: ClinVar variation 1914243 (VCV001914243.5), dbSNP rs908562428, ClinGen allele CA347593621.
Genomic context (GRCh38, chr2:88,750,067, plus strand): 5'-AACATGGCTGAGAGAGTCTACTTTGGGATGCAGGATGGCTCAGTGAACATGAGGGAGAAG[C>T]CTTTCTGTTGACCCTGCAAGGAGCAGAGTGTGTTCACCTTGAGTCTCCAGCCCACAGCCA-3'
Protein context (NP_653164.2, residues 299-311): QDGSVNMREK[Pro309Ser]FC